The following is an entry in ClinVar:

NM_006307.5(SRPX):c.788G>C (p.Gly263Ala)

Gene: SRPX (sushi repeat containing protein X-linked; minus strand). Cytogenetic location: Xp11.4.
Variant type: single nucleotide variant.
Coding change: c.788G>C on transcript NM_006307.5 (MANE Select); coding-DNA position 788, G replaced by C.
Protein change: p.Gly263Ala; replaces glycine 263 with alanine.
Molecular consequence: missense variant.
Genome position (GRCh38, 1-based): chrX:38,160,184, C>G on the plus strand (G>C on the coding strand, the complement: SRPX is on the minus strand). VCF-style: chrX-38160184-C-G. GRCh37 (hg19) VCF-style: chrX-38019437-C-G.
Other names: c.728G>C, p.Gly243Ala (NM_001170750.2); c.611G>C, p.Gly204Ala (NM_001170751.2); c.788G>C, p.Gly263Ala (NM_001170752.2); short protein forms G204A, G243A, G263A.
Identifiers: ClinVar variation 5030274 (VCV005030274.1).
Genomic context (GRCh38, chrX:38,160,184, plus strand): 5'-CCATAATTATCACCGTCGCTGGAGCACTTCATGTAACCATTCTCTGGGGCATTGAGTTTG[C>G]CACAGCGTTTGACTGTAGGGACACAAGTCCAGAGGGGTCTCAGTGCTGAGCTCCCATCCA-3'
Protein context (NP_006298.1, residues 253-273): FRVKVRVKRC[Gly263Ala]KLNAPENGYM

ClinVar aggregate classification (germline): Uncertain significance (1 of 4 stars; one submission).

Submission:

Ambry Genetics
Classification: Uncertain significance. Last evaluated: 2026-07-02. Review status: criteria provided, single submitter. Criteria: Ambry Variant Classification Scheme 2023. Collection method: clinical testing. Allele origin: germline.
Comment: The c.788G>C (p.G263A) alteration is located in exon 7 (coding exon 7) of the SRPX gene. This alteration results from a G to C substitution at nucleotide position 788, causing the glycine (G) at amino acid position 263 to be replaced by an alanine (A). Based on data from gnomAD, the C allele has an overall frequency of <0.001% (1/182052) total alleles studied. The highest observed frequency was 0.004% (1/27321) of Latino alleles. Based on insufficient or conflicting evidence, the clinical significance of this alteration remains unclear.